The following is an entry in ClinVar:

ClinVar aggregate classification (germline): Likely pathogenic. Review status: criteria provided, multiple submitters, no conflicts (2 of 4 stars). 3 submissions from 3 submitters: Likely pathogenic (3). Last evaluated 2025-09-07.

Conditions:
Usher syndrome type 1 (USH1). Also called: RETINITIS PIGMENTOSA AND CONGENITAL DEAFNESS. Identifiers: Orphanet 231169, Orphanet 886, MedGen C1568247, MONDO:0010168, OMIM 276900.
Pituitary adenoma 5, multiple types. Identifiers: MedGen C4539685, MONDO:0054601, OMIM 617540.

Allele frequency attached by ClinVar (database versions not stated): TOPMed below 0.00001.

Submissions (3):

Labcorp Genetics (formerly Invitae), Labcorp
Classification: Likely pathogenic. Last evaluated: 2025-09-07. Review status: criteria provided, single submitter. Criteria: Invitae Variant Classification Sherloc (09022015). Collection method: clinical testing. Allele origin: germline.
Comment: This sequence change affects a donor splice site in intron 8 of the CDH23 gene. It is expected to disrupt RNA splicing. Variants that disrupt the donor or acceptor splice site typically lead to a loss of protein function (PMID: 16199547), and loss-of-function variants in CDH23 are known to be pathogenic (PMID: 11138009, 21940737). This variant is not present in population databases (gnomAD no frequency). This variant has not been reported in the literature in individuals affected with CDH23-related conditions. ClinVar contains an entry for this variant (Variation ID: 966522). Algorithms developed to predict the effect of sequence changes on RNA splicing suggest that this variant may disrupt the consensus splice site. In summary, the currently available evidence indicates that the variant is pathogenic, but additional data are needed to prove that conclusively. Therefore, this variant has been classified as Likely Pathogenic.

Natera, Inc.
Classification: Likely pathogenic for Usher syndrome type 1. Last evaluated: 2025-04-29. Review status: criteria provided, single submitter. Criteria: Natera Variant Classification Schema (03/2026). Collection method: clinical testing. Allele origin: germline.
Comment: The c.753+1G>A variant in CDH23 is a canonical splice donor site variant predicted to affect pre-mRNA splicing, which may result in an abnormal transcript and altered protein product. This variant is expected to result in nonsense mediated decay, truncation, or a dysfunctional protein product. This variant is rare in the general population with a frequency below the threshold expected for the associated phenotype(s). Given the available evidence, this variant is classified as Likely Pathogenic.

Baylor Genetics
Classification: Likely pathogenic for Pituitary adenoma 5, multiple types. Last evaluated: 2024-03-11. Review status: criteria provided, single submitter. Criteria: ACMG Guidelines, 2015. Collection method: clinical testing. Allele origin: unknown.

Literature cited by the submitters: PubMed 16199547 (cited by Labcorp Genetics (formerly Invitae), Labcorp); PubMed 11138009 (cited by Labcorp Genetics (formerly Invitae), Labcorp); PubMed 21940737 (cited by Labcorp Genetics (formerly Invitae), Labcorp).

NM_022124.6(CDH23):c.753+1G>A

Gene: CDH23 (cadherin related 23; plus strand). Cytogenetic location: 10q22.1.
Variant type: single nucleotide variant.
Coding change: c.753+1G>A on transcript NM_022124.6 (MANE Select); the canonical splice donor site of the intron after coding-DNA position 753, G replaced by A.
Molecular consequence: splice donor variant.
Genome position (GRCh38, 1-based): chr10:71,570,919, G>A. VCF-style: chr10-71570919-G-A. GRCh37 (hg19) VCF-style: chr10-73330676-G-A.
Other names: c.753+1G>A (NM_001171930.2, NM_001171931.2, NM_052836.4 and 1 more transcripts).
Identifiers: ClinVar variation 966522 (VCV000966522.11), dbSNP rs1857755312, ClinGen allele CA377113372.
Genomic context (GRCh38, chr10:71,570,919, plus strand): 5'-ATGGACCCCATCTTCATCAACCTGCCTTACAGCACCAACATCTACGAGCATTCTCCTCCG[G>A]TAAGACTCCTGGCCCTTCCTTCTCAGAAGTCCCTTCTCAGAGGGACTTCCTTCTGAGCTC-3'